The following is an entry in ClinVar:

ClinVar aggregate classification (germline): Uncertain significance (1 of 4 stars; one submission).

Submission:

Labcorp Genetics (formerly Invitae), Labcorp
Classification: Uncertain significance. Last evaluated: 2024-04-18. Review status: criteria provided, single submitter. Criteria: Invitae Variant Classification Sherloc (09022015). Collection method: clinical testing. Allele origin: germline.
Comment: This sequence change replaces aspartic acid, which is acidic and polar, with histidine, which is basic and polar, at codon 1015 of the ADCY5 protein (p.Asp1015His). This variant is not present in population databases (gnomAD no frequency). This missense change has been observed in individual(s) with clinical features of autosomal dominant ADCY5-related condition (Invitae). Advanced modeling of protein sequence and biophysical properties (such as structural, functional, and spatial information, amino acid conservation, physicochemical variation, residue mobility, and thermodynamic stability) has been performed at Invitae for this missense variant, however the output from this modeling did not meet the statistical confidence thresholds required to predict the impact of this variant on ADCY5 protein function. This variant disrupts the p.Asp1015 amino acid residue in ADCY5. Other variant(s) that disrupt this residue have been observed in individuals with ADCY5-related conditions (PMID: 30800710; Invitae), which suggests that this may be a clinically significant amino acid residue. In summary, the available evidence is currently insufficient to determine the role of this variant in disease. Therefore, it has been classified as a Variant of Uncertain Significance.

Literature cited by the submitters: PubMed 30800710.

NM_183357.3(ADCY5):c.3043G>C (p.Asp1015His)

Gene: ADCY5 (adenylate cyclase 5; minus strand). Cytogenetic location: 3q21.1.
Variant type: single nucleotide variant.
Coding change: c.3043G>C on transcript NM_183357.3 (MANE Select); coding-DNA position 3043, G replaced by C.
Protein change: p.Asp1015His; replaces aspartic acid 1015 with histidine.
Molecular consequence: missense variant.
Genome position (GRCh38, 1-based): chr3:123,296,104, C>G on the plus strand (G>C on the coding strand, the complement: ADCY5 is on the minus strand). VCF-style: chr3-123296104-C-G. GRCh37 (hg19) VCF-style: chr3-123014951-C-G.
Other names: c.1993G>C, p.Asp665His (NM_001199642.1); c.3118G>C, p.Asp1040His (NM_001378259.1); short protein forms D1015H, D1040H, D665H.
Identifiers: ClinVar variation 2863241 (VCV002863241.3), dbSNP rs1397131565, ClinGen allele CA354224045.